The following is an entry in ClinVar:

ClinVar aggregate classification (germline): Likely benign. Review status: criteria provided, multiple submitters, no conflicts (2 of 4 stars). 3 submissions from 3 submitters: Likely benign (2). 1 of the submissions does not count toward it. Last evaluated 2025-01-27.

Conditions:
ITPR1-related disorder. Also called: ITPR1-related condition.

Allele frequency attached by ClinVar (database versions not stated): gnomAD exomes 0.00001 and 0.00005; ExAC 0.00007; ESP Exome Variant Server 0.00008; gnomAD 0.00008 and 0.00009; TOPMed 0.00011; 1000 Genomes Project 0.00020; 1000 Genomes Project 30x 0.00031.
gnomAD v4.1: 31 of 1,542,918 alleles (0.002%); highest among the groups gnomAD compares: African/African-American, 0.033%; no homozygotes.

Submissions (3):

Labcorp Genetics (formerly Invitae), Labcorp
Classification: Likely benign. Last evaluated: 2025-01-27. Review status: criteria provided, single submitter. Criteria: Invitae Variant Classification Sherloc (09022015). Collection method: clinical testing. Allele origin: germline.

GeneDx
Classification: Likely benign. Last evaluated: 2021-05-10. Review status: criteria provided, single submitter. Criteria: GeneDx Variant Classification Process June 2021. Collection method: clinical testing. Allele origin: germline. Affected: yes.

PreventionGenetics, part of Exact Sciences
Classification: Likely benign for ITPR1-related condition. Last evaluated: 2019-07-16. Review status: no assertion criteria provided. Collection method: clinical testing. Allele origin: germline. Not counted in ClinVar's aggregate classification.
Comment: This variant is classified as likely benign based on ACMG/AMP sequence variant interpretation guidelines (Richards et al. 2015 PMID: 25741868, with internal and published modifications).

NM_001378452.1(ITPR1):c.8277A>G (p.Ter2759=)

Gene: ITPR1 (inositol 1,4,5-trisphosphate receptor type 1; plus strand). Cytogenetic location: 3p26.1.
Variant type: single nucleotide variant.
Coding change: c.8277A>G on transcript NM_001378452.1 (MANE Select); coding-DNA position 8277, A replaced by G.
Protein change: p.Ter2759=.
Molecular consequence: synonymous variant.
Genome position (GRCh38, 1-based): chr3:4,846,225, A>G. VCF-style: chr3-4846225-A-G. GRCh37 (hg19) VCF-style: chr3-4887909-A-G.
Other names: c.8133A>G, p.Ter2711= (NM_001099952.4); c.8232A>G, p.Ter2744= (NM_001168272.2); c.8088A>G, p.Ter2696= (NM_002222.7).
Identifiers: ClinVar variation 1206775 (VCV001206775.11), dbSNP rs376816678, ClinGen allele CA2233113.